The following is an entry in ClinVar:

ClinVar aggregate classification (germline): Likely benign. Review status: criteria provided, multiple submitters, no conflicts (2 of 4 stars). 3 submissions from 3 submitters: Likely benign (2). 1 of the submissions does not count toward it. Last evaluated 2024-03-12.

Conditions:
BBS1-related disorder. Also called: BBS1-related condition.
Bardet-Biedl syndrome (BBS). Identifiers: Orphanet 110, MedGen C0752166, MONDO:0015229.

gnomAD v4.1: 9 of 1,614,164 alleles (0.00056%); highest among the groups gnomAD compares: Middle Eastern, 0.017%; no homozygotes.

Submissions (3):

Labcorp Genetics (formerly Invitae), Labcorp
Classification: Likely benign for Bardet-Biedl syndrome. Last evaluated: 2024-03-12. Review status: criteria provided, single submitter. Criteria: Invitae Variant Classification Sherloc (09022015). Collection method: clinical testing. Allele origin: germline.

Blueprint Genetics
Classification: Likely benign. Last evaluated: 2019-09-25. Review status: criteria provided, single submitter. Criteria: ACMG Guidelines, 2015. Collection method: clinical testing. Allele origin: germline.

PreventionGenetics, part of Exact Sciences
Classification: Likely benign for BBS1-related condition. Last evaluated: 2024-05-23. Review status: no assertion criteria provided. Collection method: clinical testing. Allele origin: germline. Not counted in ClinVar's aggregate classification.
Comment: This variant is classified as likely benign based on ACMG/AMP sequence variant interpretation guidelines (Richards et al. 2015 PMID: 25741868, with internal and published modifications).

NM_024649.5(BBS1):c.6C>A (p.Ala2=)

Gene: BBS1 (Bardet-Biedl syndrome 1; plus strand). Cytogenetic location: 11q13.2.
Variant type: single nucleotide variant.
Coding change: c.6C>A on transcript NM_024649.5 (MANE Select); coding-DNA position 6, C replaced by A.
Protein change: p.Ala2=; no amino-acid change (alanine 2 retained).
Molecular consequence: synonymous variant.
Genome position (GRCh38, 1-based): chr11:66,510,665, C>A. VCF-style: chr11-66510665-C-A. GRCh37 (hg19) VCF-style: chr11-66278136-C-A.
Other names: c.6C>A (NM_024649.4).
Identifiers: ClinVar variation 1098002 (VCV001098002.11), dbSNP rs143592479, ClinGen allele CA6123175.